The following is an entry in ClinVar:

ClinVar aggregate classification (germline): Uncertain significance (1 of 4 stars; one submission).

Conditions:
Emery-Dreifuss muscular dystrophy 4, autosomal dominant (EDMD4). Also called: EMERY-DREIFUSS MUSCULAR DYSTROPHY 4 WITH VARIABLE FEATURES. Identifiers: Orphanet 261, MedGen C2751807, MONDO:0013071, OMIM 612998.
Autosomal recessive ataxia, Beauce type. Also called: Spinocerebellar ataxia, autosomal recessive 8; ATAXIA, RECESSIVE, OF BEAUCE; SYNE1-Related Autosomal Recessive Cerebellar Ataxia; SYNE1 Deficiency. Identifiers: Orphanet 88644, MedGen C1853116, MONDO:0012549, OMIM 610743.

Allele frequency attached by ClinVar (database versions not stated): gnomAD exomes below 0.00001; TOPMed below 0.00001.
gnomAD v4.1: 2 of 1,614,104 alleles (0.00012%); highest among the groups gnomAD compares: Admixed American, 0.0033%; no homozygotes.

Submission:

Labcorp Genetics (formerly Invitae), Labcorp
Classification: Uncertain significance for Emery-Dreifuss muscular dystrophy 4, autosomal dominant; Autosomal recessive ataxia, Beauce type. Last evaluated: 2022-11-28. Review status: criteria provided, single submitter. Criteria: Invitae Variant Classification Sherloc (09022015). Collection method: clinical testing. Allele origin: germline.
Comment: In summary, the available evidence is currently insufficient to determine the role of this variant in disease. Therefore, it has been classified as a Variant of Uncertain Significance. Algorithms developed to predict the effect of missense changes on protein structure and function are either unavailable or do not agree on the potential impact of this missense change (SIFT: "Deleterious"; PolyPhen-2: "Benign"; Align-GVGD: "Class C65"). This variant has not been reported in the literature in individuals affected with SYNE1-related conditions. This variant is present in population databases (no rsID available, gnomAD 0.006%). This sequence change replaces lysine, which is basic and polar, with asparagine, which is neutral and polar, at codon 2307 of the SYNE1 protein (p.Lys2307Asn).

NM_182961.4(SYNE1):c.6900G>T (p.Lys2300Asn)

Gene: SYNE1 (spectrin repeat containing nuclear envelope protein 1; minus strand). Cytogenetic location: 6q25.2.
Variant type: single nucleotide variant.
Coding change: c.6900G>T on transcript NM_182961.4 (MANE Select); coding-DNA position 6900, G replaced by T.
Protein change: p.Lys2300Asn; replaces lysine 2300 with asparagine.
Molecular consequence: missense variant.
Genome position (GRCh38, 1-based): chr6:152,401,267, C>A on the plus strand (G>T on the coding strand, the complement: SYNE1 is on the minus strand). VCF-style: chr6-152401267-C-A. GRCh37 (hg19) VCF-style: chr6-152722402-C-A.
Other names: c.6921G>T, p.Lys2307Asn (NM_033071.5); short protein forms K2300N, K2307N.
Identifiers: ClinVar variation 2938659 (VCV002938659.3), dbSNP rs1264744522, ClinGen allele CA366120092.